The following is an entry in ClinVar:

ClinVar aggregate classification (germline): Likely pathogenic (1 of 4 stars; one submission).

Conditions:
TCF20-related disorder. Also called: TCF20-related condition.

Submission:

PreventionGenetics, part of Exact Sciences
Classification: Likely pathogenic for TCF20-related condition. Last evaluated: 2023-01-09. Review status: criteria provided, single submitter. Criteria: ACMG Guidelines, 2015. Collection method: clinical testing. Allele origin: germline.
Comment: The TCF20 c.1986dupG variant is predicted to result in a frameshift and premature protein termination (p.Ser663Glufs*9). To our knowledge, this variant has not been reported in the literature or in a large population database, indicating this variant is rare. Frameshift variants in TCF20 are expected to be pathogenic. This variant is interpreted as likely pathogenic.

NM_001378418.1(TCF20):c.1986dup (p.Ser663fs)

Gene: TCF20 (transcription factor 20; minus strand). Cytogenetic location: 22q13.2.
Variant type: Duplication.
Coding change: c.1986dup on transcript NM_001378418.1 (MANE Select); coding-DNA position 1986, one base duplicated (G; older notation c.1986dupG).
Protein change: p.Ser663fs; shifts the reading frame from serine 663.
Molecular consequence: frameshift variant.
Genome position (GRCh38, 1-based): chr22:42,213,320, C duplicated on the plus strand (G on the coding strand, the reverse complement: TCF20 is on the minus strand); the first of 3 consecutive C bases (chr22:42,213,320-42,213,322); duplicating any one gives the same sequence. VCF-style (leftmost placement, unchanged base first): chr22-42213319-T-TC. GRCh37 (hg19) VCF-style: chr22-42609325-T-TC.
Other names: c.1986dup, p.Ser663fs (NM_005650.4, NM_181492.3); short protein forms S663fs.
Identifiers: ClinVar variation 2629761 (VCV002629761.1), dbSNP rs2518231025, ClinGen allele CA2695200123.